The following is an entry in ClinVar:

NM_198578.4(LRRK2):c.2804C>G (p.Ser935Cys)

Gene: LRRK2 (leucine rich repeat kinase 2; plus strand). Cytogenetic location: 12q12.
Variant type: single nucleotide variant.
Coding change: c.2804C>G on transcript NM_198578.4 (MANE Select); coding-DNA position 2804, C replaced by G.
Protein change: p.Ser935Cys; replaces serine 935 with cysteine.
Molecular consequence: missense variant.
Genome position (GRCh38, 1-based): chr12:40,293,659, C>G. VCF-style: chr12-40293659-C-G. GRCh37 (hg19) VCF-style: chr12-40687461-C-G.
Other names: short protein forms S935C.
Identifiers: ClinVar variation 1796246 (VCV001796246.2), dbSNP rs2499714385, ClinGen allele CA384411102.

ClinVar aggregate classification (germline): Uncertain significance (1 of 4 stars; one submission).

Conditions:
Inborn genetic diseases. Identifiers: MedGen C0950123, MeSH D030342.

Submission:

Ambry Genetics
Classification: Uncertain significance for Inborn genetic diseases. Last evaluated: 2022-01-01. Review status: criteria provided, single submitter. Criteria: Ambry Variant Classification Scheme 2023. Collection method: clinical testing. Allele origin: germline.
Comment: The p.S935C variant (also known as c.2804C>G), located in coding exon 21 of the LRRK2 gene, results from a C to G substitution at nucleotide position 2804. The serine at codon 935 is replaced by cysteine, an amino acid with dissimilar properties. This amino acid position is conserved. In addition, the in silico prediction for this alteration is inconclusive. Since supporting evidence is limited at this time, the clinical significance of this alteration remains unclear.